The following is an entry in ClinVar:

ClinVar aggregate classification (germline): Pathogenic (1 of 4 stars; one submission).

Conditions:
Charcot-Marie-Tooth disease axonal type 2V. Also called: CHARCOT-MARIE-TOOTH NEUROPATHY, TYPE 2V; CHARCOT-MARIE-TOOTH DISEASE, AXONAL, AUTOSOMAL DOMINANT, TYPE 2V. Identifiers: Orphanet 447964, MedGen C5569050, MONDO:0014665, OMIM 616491.
Mucopolysaccharidosis, MPS-III-B (MPS3B). Also called: N-ACETYL-ALPHA-D-GLUCOSAMINIDASE DEFICIENCY; NAGLU DEFICIENCY; SANFILIPPO SYNDROME B; MPS III B; Mucopolysaccharidosis type IIIB (Sanfilippo B); MUCOPOLYSACCHARIDOSIS, TYPE IIIB. Identifiers: Orphanet 79270, MedGen C0086648, MONDO:0009656, OMIM 252920.

Submission:

Labcorp Genetics (formerly Invitae), Labcorp
Classification: Pathogenic for Charcot-Marie-Tooth disease axonal type 2V; Mucopolysaccharidosis, MPS-III-B. Last evaluated: 2024-05-17. Review status: criteria provided, single submitter. Criteria: Invitae Variant Classification Sherloc (09022015). Collection method: clinical testing. Allele origin: germline.
Comment: This sequence change creates a premature translational stop signal (p.Leu108Alafs*84) in the NAGLU gene. It is expected to result in an absent or disrupted protein product. Loss-of-function variants in NAGLU are known to be pathogenic (PMID: 9832037, 10094189, 16151907). This variant is not present in population databases (gnomAD no frequency). This variant has not been reported in the literature in individuals affected with NAGLU-related conditions. For these reasons, this variant has been classified as Pathogenic.

Literature cited by the submitters: PubMed 9832037; PubMed 10094189; PubMed 16151907.

NM_000263.4(NAGLU):c.320dup (p.Leu108fs)

Gene: NAGLU (N-acetyl-alpha-glucosaminidase; plus strand). Cytogenetic location: 17q21.2.
Variant type: Duplication.
Coding change: c.320dup on transcript NM_000263.4 (MANE Select); coding-DNA position 320, one base duplicated (A; older notation c.320dupA).
Protein change: p.Leu108fs; shifts the reading frame from leucine 108.
Molecular consequence: frameshift variant.
Genome position (GRCh38, 1-based): chr17:42,536,592, A duplicated. VCF-style (leftmost placement, unchanged base first): chr17-42536591-C-CA. GRCh37 (hg19) VCF-style: chr17-40688609-C-CA.
Other names: short protein forms L108fs.
Identifiers: ClinVar variation 3763115 (VCV003763115.2).